The following is an entry in ClinVar:

NM_030665.4(RAI1):c.194C>T (p.Thr65Met)

Gene: RAI1 (retinoic acid induced 1; plus strand). Cytogenetic location: 17p11.2.
Variant type: single nucleotide variant.
Coding change: c.194C>T on transcript NM_030665.4 (MANE Select); coding-DNA position 194, C replaced by T.
Protein change: p.Thr65Met; replaces threonine 65 with methionine.
Molecular consequence: missense variant.
Genome position (GRCh38, 1-based): chr17:17,793,142, C>T. VCF-style: chr17-17793142-C-T. GRCh37 (hg19) VCF-style: chr17-17696456-C-T.
Other names: short protein forms T65M.
Identifiers: ClinVar variation 2041177 (VCV002041177.7), dbSNP rs530411834, ClinGen allele CA8418070.

ClinVar aggregate classification (germline): Benign/Likely benign. Review status: criteria provided, multiple submitters, no conflicts (2 of 4 stars). 3 submissions from 3 submitters: Benign (1); Likely benign (1). 1 of the submissions does not count toward it. Last evaluated 2026-01-31.

Conditions:
RAI1-related disorder. Also called: RAI1-related condition.
Inborn genetic diseases. Identifiers: MedGen C0950123, MeSH D030342.

Allele frequency attached by ClinVar (database versions not stated): gnomAD exomes 0.00001; ExAC 0.00003; gnomAD 0.00005; TOPMed 0.00005; 1000 Genomes Project 0.00040; 1000 Genomes Project 30x 0.00047.
gnomAD v4.1: 20 of 1,613,736 alleles (0.0012%); highest among the groups gnomAD compares: African/African-American, 0.012%; no homozygotes.

Submissions (3):

Labcorp Genetics (formerly Invitae), Labcorp
Classification: Benign. Last evaluated: 2026-01-31. Review status: criteria provided, single submitter. Criteria: Invitae Variant Classification Sherloc (09022015). Collection method: clinical testing. Allele origin: germline.

Ambry Genetics
Classification: Likely benign for Inborn genetic diseases. Last evaluated: 2021-11-15. Review status: criteria provided, single submitter. Criteria: Ambry Variant Classification Scheme 2023. Collection method: clinical testing. Allele origin: germline.

PreventionGenetics, part of Exact Sciences
Classification: Uncertain significance for RAI1-related condition. Last evaluated: 2024-03-13. Review status: no assertion criteria provided. Collection method: clinical testing. Allele origin: germline. Not counted in ClinVar's aggregate classification.
Comment: The RAI1 c.194C>T variant is predicted to result in the amino acid substitution p.Thr65Met. To our knowledge, this variant has not been reported in the literature. This variant is reported in 0.026% of alleles in individuals of African descent in gnomAD, which is likely too common for an undocumented disease-causing variant. Although we suspect that this variant may be benign, at this time, the clinical significance of this variant is uncertain due to the absence of conclusive functional and genetic evidence.